The following is an entry in ClinVar:

NM_001352754.2(ARMC9):c.1767TGA[1] (p.Asp590del)

Gene: ARMC9 (armadillo repeat containing 9; plus strand). Cytogenetic location: 2q37.1.
Variant type: Microsatellite.
Coding change: c.1767TGA[1] on transcript NM_001352754.2 (MANE Select); one copy of the 3-base unit TGA starting at c.1767; the reference has two copies in a row; one copy, 3 bases deleted.
Protein change: p.Asp590del; deletes aspartic acid 590.
Molecular consequence: inframe deletion. On other transcripts: non-coding transcript variant (1).
Genome position (GRCh38, 1-based): chr2:231,296,250-231,296,252, TGA deleted; deleting any 3 consecutive bases within chr2:231,296,245-231,296,252 gives the same sequence; the position shown is the placement nearest the transcript's 3' end. VCF-style (leftmost placement, unchanged base first): chr2-231296244-AGAT-A. GRCh37 (hg19) VCF-style: chr2-232160957-AGAT-A.
Other names: c.1767TGA[1], p.Asp590del (NM_001271466.4, NM_001291656.2, NM_001352755.2 and 3 more transcripts); c.1668TGA[1], p.Asp557del (NM_001352757.2, NM_001352758.2); short protein forms D590del, D557del.
Identifiers: ClinVar variation 548527 (VCV000548527.9), dbSNP rs1553618510, ClinGen allele CA658821847.
Genomic context (GRCh38, chr2:231,296,244, plus strand): 5'-TTTTTTCTTTATAGAAGAGCTACCAGATGGTGTTCTTGAATCTGATGATGATGAAGATGA[AGAT>A]GATGAAGTAAGTTGGAGGTTCTTGACACCACATAGAAAACCCATACCAAACTATTCTCTC-3'

ClinVar aggregate classification (germline): Uncertain significance. Review status: criteria provided, multiple submitters, no conflicts (2 of 4 stars). 2 submissions from 2 submitters: Uncertain significance (2). Last evaluated 2022-03-08.

Conditions:
ARMC9-related Joubert syndrome.

Submissions (2):

Labcorp Genetics (formerly Invitae), Labcorp
Classification: Uncertain significance. Last evaluated: 2022-03-08. Review status: criteria provided, single submitter. Criteria: Invitae Variant Classification Sherloc (09022015). Collection method: clinical testing. Allele origin: germline.
Comment: This variant is not present in population databases (gnomAD no frequency). This variant has not been reported in the literature in individuals affected with ARMC9-related conditions. Experimental studies and prediction algorithms are not available or were not evaluated, and the functional significance of this variant is currently unknown. In summary, the available evidence is currently insufficient to determine the role of this variant in disease. Therefore, it has been classified as a Variant of Uncertain Significance. This variant, c.1770_1772del, results in the deletion of 1 amino acid(s) of the ARMC9 protein (p.Asp590del), but otherwise preserves the integrity of the reading frame.

Genomic Research Center, Shahid Beheshti University of Medical Sciences
Classification: Uncertain significance. Last evaluated: 2018-03-05. Review status: criteria provided, single submitter. Criteria: ACMG Guidelines, 2015. Collection method: clinical testing. Allele origin: inherited. Affected: yes. Observed: 1 variant allele.